The following is an entry in ClinVar:

ClinVar aggregate classification (germline): Uncertain significance. Review status: criteria provided, multiple submitters, no conflicts (2 of 4 stars). 4 submissions from 4 submitters: Uncertain significance (3). 1 of the submissions does not count toward it. Last evaluated 2024-06-26.

Conditions:
Hereditary cancer-predisposing syndrome. Also called: Tumor predisposition; Hereditary neoplastic syndrome; Hereditary Cancer Syndrome; Neoplastic Syndromes, Hereditary. Identifiers: Orphanet 140162, MedGen C0027672, MeSH D009386, MONDO:0015356.
Bloom syndrome (BLM). Also called: Bloom-Torre-Machacek syndrome. Identifiers: Orphanet 125, MedGen C0005859, MONDO:0008876, OMIM 210900.

Allele frequency attached by ClinVar (database versions not stated): gnomAD 0.00001 and 0.00002; gnomAD exomes 0.00001 and below 0.00001; TOPMed 0.00002; ExAC 0.00003; 1000 Genomes Project 0.00020; 1000 Genomes Project 30x 0.00031.
gnomAD v4.1: 4 of 1,604,568 alleles (0.00025%); highest among the groups gnomAD compares: African/African-American, 0.0054%; no homozygotes.

Submissions (4):

Labcorp Genetics (formerly Invitae), Labcorp
Classification: Uncertain significance for Bloom syndrome. Last evaluated: 2024-06-26. Review status: criteria provided, single submitter. Criteria: Invitae Variant Classification Sherloc (09022015). Collection method: clinical testing. Allele origin: germline.
Comment: This sequence change replaces threonine, which is neutral and polar, with isoleucine, which is neutral and non-polar, at codon 41 of the BLM protein (p.Thr41Ile). This variant is present in population databases (rs533736036, gnomAD 0.02%). This variant has not been reported in the literature in individuals affected with BLM-related conditions. ClinVar contains an entry for this variant (Variation ID: 1053524). Algorithms developed to predict the effect of missense changes on protein structure and function output the following: SIFT: "Not Available"; PolyPhen-2: "Benign"; Align-GVGD: "Not Available". The isoleucine amino acid residue is found in multiple mammalian species, which suggests that this missense change does not adversely affect protein function. In summary, the available evidence is currently insufficient to determine the role of this variant in disease. Therefore, it has been classified as a Variant of Uncertain Significance.

Ambry Genetics
Classification: Uncertain significance for Hereditary cancer-predisposing syndrome. Last evaluated: 2024-05-17. Review status: criteria provided, single submitter. Criteria: Ambry Variant Classification Scheme 2023. Collection method: clinical testing. Allele origin: germline.
Comment: The p.T41I variant (also known as c.122C>T), located in coding exon 2 of the BLM gene, results from a C to T substitution at nucleotide position 122. The threonine at codon 41 is replaced by isoleucine, an amino acid with similar properties. This amino acid position is conserved. In addition, this alteration is predicted to be tolerated by in silico analysis. Since supporting evidence is limited at this time, the clinical significance of this alteration remains unclear.

Fulgent Genetics
Classification: Uncertain significance for Bloom syndrome. Last evaluated: 2024-03-29. Review status: criteria provided, single submitter. Criteria: ACMG Guidelines, 2015. Collection method: clinical testing. Allele origin: germline.

Natera, Inc.
Classification: Uncertain significance for Bloom syndrome. Last evaluated: 2019-02-28. Review status: no assertion criteria provided. Collection method: clinical testing. Allele origin: germline. Not counted in ClinVar's aggregate classification.

NM_000057.4(BLM):c.122C>T (p.Thr41Ile)

Gene: BLM (BLM RecQ like helicase; plus strand). Cytogenetic location: 15q26.1.
Variant type: single nucleotide variant.
Coding change: c.122C>T on transcript NM_000057.4 (MANE Select); coding-DNA position 122, C replaced by T.
Protein change: p.Thr41Ile; replaces threonine 41 with isoleucine.
Molecular consequence: missense variant. On other transcripts: 5 prime UTR variant (1).
Genome position (GRCh38, 1-based): chr15:90,749,390, C>T. VCF-style: chr15-90749390-C-T. GRCh37 (hg19) VCF-style: chr15-91292620-C-T.
Other names: c.122C>T, p.Thr41Ile (NM_001287246.2, NM_001287247.2); c.-1170C>T (NM_001287248.2); c.122C>T (NM_000057.2); short protein forms T41I.
Identifiers: ClinVar variation 1053524 (VCV001053524.14), dbSNP rs533736036, ClinGen allele CA7738247.
Genomic context (GRCh38, chr15:90,749,390, plus strand): 5'-TGGATCCATCTAATCTAGTTTTTCCATTATTTTTCAGAGGTTTCACTTTTAAAAAGAAAA[C>T]ATCTTCAGATAACAATGTATCTGTAACTAATGTGTCAGTAGCAAAAACACCTGTATTAAG-3'
Protein context (NP_000048.1, residues 31-51): KFSGFTFKKK[Thr41Ile]SSDNNVSVTN